The following is an entry in ClinVar:

NM_001008537.3(NEXMIF):c.1121G>A (p.Gly374Glu)

Gene: NEXMIF (neurite extension and migration factor; minus strand). Cytogenetic location: Xq13.3.
Variant type: single nucleotide variant.
Coding change: c.1121G>A on transcript NM_001008537.3 (MANE Select); coding-DNA position 1121, G replaced by A.
Protein change: p.Gly374Glu; replaces glycine 374 with glutamic acid.
Molecular consequence: missense variant.
Genome position (GRCh38, 1-based): chrX:74,743,436, C>T on the plus strand (G>A on the coding strand, the complement: NEXMIF is on the minus strand). VCF-style: chrX-74743436-C-T. GRCh37 (hg19) VCF-style: chrX-73963271-C-T.
Other names: c.1121G>A (NM_001008537.1); short protein forms G374E.
Identifiers: ClinVar variation 570110 (VCV000570110.9), dbSNP rs756593372, ClinGen allele CA10455151.

ClinVar aggregate classification (germline): Uncertain significance. Review status: criteria provided, multiple submitters, no conflicts (2 of 4 stars). 2 submissions from 2 submitters: Uncertain significance (2). Last evaluated 2025-07-27.

Allele frequency attached by ClinVar (database versions not stated): ExAC 0.00003; gnomAD exomes 0.00003 and 0.00002; gnomAD 0.00005; TOPMed 0.00002.

Submissions (2):

Labcorp Genetics (formerly Invitae), Labcorp
Classification: Uncertain significance. Last evaluated: 2025-07-27. Review status: criteria provided, single submitter. Criteria: Invitae Variant Classification Sherloc (09022015). Collection method: clinical testing. Allele origin: germline.
Comment: This sequence change replaces glycine, which is neutral and non-polar, with glutamic acid, which is acidic and polar, at codon 374 of the NEXMIF protein (p.Gly374Glu). This variant is present in population databases (rs756593372, gnomAD 0.01%), including at least one homozygous and/or hemizygous individual. This variant has not been reported in the literature in individuals affected with NEXMIF-related conditions. ClinVar contains an entry for this variant (Variation ID: 570110). An algorithm developed to predict the effect of missense changes on protein structure and function (PolyPhen-2) suggests that this variant is likely to be disruptive. In summary, the available evidence is currently insufficient to determine the role of this variant in disease. Therefore, it has been classified as a Variant of Uncertain Significance.

GeneDx
Classification: Uncertain significance. Last evaluated: 2023-06-04. Review status: criteria provided, single submitter. Criteria: GeneDx Variant Classification Process June 2021. Collection method: clinical testing. Allele origin: germline. Affected: yes.
Comment: In silico analysis supports that this missense variant has a deleterious effect on protein structure/function; Has not been previously published as pathogenic or benign to our knowledge